The following is an entry in ClinVar:

ClinVar aggregate classification (germline): Uncertain significance (1 of 4 stars; one submission).

Submission:

Labcorp Genetics (formerly Invitae), Labcorp
Classification: Uncertain significance. Last evaluated: 2024-06-22. Review status: criteria provided, single submitter. Criteria: Invitae Variant Classification Sherloc (09022015). Collection method: clinical testing. Allele origin: germline.
Comment: This sequence change falls in intron 18 of the PPP1R12A gene. It does not directly change the encoded amino acid sequence of the PPP1R12A protein. This variant is present in population databases (rs764473384, gnomAD 0.02%). This variant has not been reported in the literature in individuals affected with PPP1R12A-related conditions. Experimental studies and prediction algorithms are not available or were not evaluated, and the effect of this variant on mRNA splicing is currently unknown. In summary, the available evidence is currently insufficient to determine the role of this variant in disease. Therefore, it has been classified as a Variant of Uncertain Significance.

NM_002480.3(PPP1R12A):c.2462-34_2462-19del

Gene: PPP1R12A (protein phosphatase 1 regulatory subunit 12A; minus strand). Cytogenetic location: 12q21.2.
Variant type: Deletion.
Coding change: c.2462-34_2462-19del on transcript NM_002480.3 (MANE Select); 34 bases into the intron before coding-DNA position 2462 through 19 bases into the intron before coding-DNA position 2462, 16 bases deleted (TTGCTATATTGTGGTT).
Molecular consequence: intron variant.
Genome position (GRCh38, 1-based): chr12:79,795,778-79,795,793, AACCACAATATAGCAA deleted on the plus strand (TTGCTATATTGTGGTT on the coding strand, the reverse complement: PPP1R12A is on the minus strand). VCF-style (leftmost placement, unchanged base first): chr12-79795777-GAACCACAATATAGCAA-G. GRCh37 (hg19) VCF-style: chr12-80189557-GAACCACAATATAGCAA-G.
Other names: c.2294-34_2294-19del (NM_001244992.1); c.2462-34_2462-19del (NM_001244990.2, NM_001143885.2); c.2201-34_2201-19del (NM_001143886.2).
Identifiers: ClinVar variation 3673863 (VCV003673863.2).
Genomic context (GRCh38, chr12:79,795,777, plus strand): 5'-GATTTATCTTCTCCTTCTTTCTCCTCTTCTCTTTTTTCTCCCTCTGTTAAGGATTGCAAT[GAACCACAATATAGCAA>G]TATATCTTGACAATATTTTGCAAGGTAATTGTAAAAACAATGGGTAAAATGGGCCAGGGG-3'